The following is an entry in ClinVar:

NM_000083.3(CLCN1):c.992C>G (p.Ala331Gly)

Gene: CLCN1 (chloride voltage-gated channel 1; plus strand). Cytogenetic location: 7q34.
Variant type: single nucleotide variant.
Coding change: c.992C>G on transcript NM_000083.3 (MANE Select); coding-DNA position 992, C replaced by G.
Protein change: p.Ala331Gly; replaces alanine 331 with glycine.
Molecular consequence: missense variant. On other transcripts: non-coding transcript variant (1).
Genome position (GRCh38, 1-based): chr7:143,331,244, C>G. VCF-style: chr7-143331244-C-G. GRCh37 (hg19) VCF-style: chr7-143028337-C-G.
Other names: c.992C>G (NM_000083.2); short protein forms A331G.
Identifiers: ClinVar variation 2948145 (VCV002948145.4), dbSNP rs2487059000, ClinGen allele CA369641790.

ClinVar aggregate classification (germline): Uncertain significance. Review status: criteria provided, multiple submitters, no conflicts (2 of 4 stars). 2 submissions from 2 submitters: Uncertain significance (2). Last evaluated 2024-12-09.

Conditions:
Congenital myotonia, autosomal dominant form (THD). Also called: THOMSEN DISEASE; Myotonia congenita autosomal dominant. Identifiers: Orphanet 614, MedGen C2936781, MONDO:0008055, OMIM 160800.
Congenital myotonia, autosomal recessive form. Also called: BECKER DISEASE; Becker Generalized Myotonia; myotonia congenita, autosomal recessive. Identifiers: Orphanet 614, MedGen C0751360, MONDO:0009715, OMIM 255700.

Allele frequency attached by ClinVar (database versions not stated): gnomAD exomes below 0.00001.
gnomAD v4.1: 1 of 1,611,728 alleles (0.000062%); highest among the groups gnomAD compares: Non-Finnish European, 0.000085%; no homozygotes.

Submissions (2):

GeneDx
Classification: Uncertain significance. Last evaluated: 2024-12-09. Review status: criteria provided, single submitter. Criteria: GeneDx Variant Classification Process June 2021. Collection method: clinical testing. Allele origin: germline. Affected: yes.
Comment: Not observed at significant frequency in large population cohorts (gnomAD); In silico analysis supports that this missense variant has a deleterious effect on protein structure/function; Has not been previously published as pathogenic or benign to our knowledge

Labcorp Genetics (formerly Invitae), Labcorp
Classification: Uncertain significance for Congenital myotonia, autosomal recessive form; Congenital myotonia, autosomal dominant form. Last evaluated: 2023-05-23. Review status: criteria provided, single submitter. Criteria: Invitae Variant Classification Sherloc (09022015). Collection method: clinical testing. Allele origin: germline.
Comment: This sequence change replaces alanine, which is neutral and non-polar, with glycine, which is neutral and non-polar, at codon 331 of the CLCN1 protein (p.Ala331Gly). This variant is not present in population databases (gnomAD no frequency). In summary, the available evidence is currently insufficient to determine the role of this variant in disease. Therefore, it has been classified as a Variant of Uncertain Significance. Advanced modeling of protein sequence and biophysical properties (such as structural, functional, and spatial information, amino acid conservation, physicochemical variation, residue mobility, and thermodynamic stability) performed at Invitae indicates that this missense variant is expected to disrupt CLCN1 protein function. This variant has not been reported in the literature in individuals affected with CLCN1-related conditions.